The following is an entry in ClinVar:

NM_001130823.3(DNMT1):c.384C>T (p.Pro128=)

Gene: DNMT1 (DNA methyltransferase 1; minus strand). Cytogenetic location: 19p13.2.
Variant type: single nucleotide variant.
Coding change: c.384C>T on transcript NM_001130823.3 (MANE Select); coding-DNA position 384, C replaced by T.
Protein change: p.Pro128=; no amino-acid change (proline 128 retained).
Molecular consequence: synonymous variant.
Genome position (GRCh38, 1-based): chr19:10,180,411, G>A on the plus strand (C>T on the coding strand, the complement: DNMT1 is on the minus strand). VCF-style: chr19-10180411-G-A. GRCh37 (hg19) VCF-style: chr19-10291087-G-A.
Other names: c.384C>T, p.Pro128= (NM_001318730.2, NM_001379.4); c.21C>T, p.Pro7= (NM_001318731.2).
Identifiers: ClinVar variation 2981899 (VCV002981899.11), dbSNP rs762347562, ClinGen allele CA9188774.

ClinVar aggregate classification (germline): Likely benign. Review status: criteria provided, multiple submitters, no conflicts (2 of 4 stars). 2 submissions from 2 submitters: Likely benign (2). Last evaluated 2025-06-01.

Conditions:
Hereditary sensory neuropathy-deafness-dementia syndrome. Also called: HSN IE; Hereditary sensory neuropathy type IE; NEUROPATHY, HEREDITARY SENSORY, WITH HEARING LOSS AND DEMENTIA; Hereditary Sensory and Autonomic Neuropathy Type 1E (HSAN1E). Identifiers: Orphanet 456318, MedGen C3279885, MONDO:0013584, OMIM 614116.

Allele frequency attached by ClinVar (database versions not stated): ExAC 0.00001; gnomAD exomes 0.00002; TOPMed 0.00002; gnomAD 0.00003.
gnomAD v4.1: 40 of 1,613,904 alleles (0.0025%); highest among the groups gnomAD compares: African/African-American, 0.004%; no homozygotes.

Submissions (2):

CeGaT Center for Human Genetics Tuebingen
Classification: Likely benign. Last evaluated: 2025-06-01. Review status: criteria provided, single submitter. Criteria: CeGaT Center For Human Genetics Tuebingen Variant Classification Criteria Version 2. Collection method: clinical testing. Allele origin: germline. Affected: yes. Observed: 1 variant allele.
Comment: DNMT1: BP4, BP7

Labcorp Genetics (formerly Invitae), Labcorp
Classification: Likely benign for Hereditary sensory neuropathy-deafness-dementia syndrome. Last evaluated: 2023-10-28. Review status: criteria provided, single submitter. Criteria: Invitae Variant Classification Sherloc (09022015). Collection method: clinical testing. Allele origin: germline.